The following is an entry in ClinVar:

NM_000397.4(CYBB):c.838T>C (p.Tyr280His)

Gene: CYBB (cytochrome b-245 beta chain; plus strand). Cytogenetic location: Xp11.4.
Variant type: single nucleotide variant.
Coding change: c.838T>C on transcript NM_000397.4 (MANE Select); coding-DNA position 838, T replaced by C.
Protein change: p.Tyr280His; replaces tyrosine 280 with histidine.
Molecular consequence: missense variant.
Genome position (GRCh38, 1-based): chrX:37,801,289, T>C. VCF-style: chrX-37801289-T-C. GRCh37 (hg19) VCF-style: chrX-37660542-T-C.
Other names: short protein forms Y280H.
Identifiers: ClinVar variation 2795202 (VCV002795202.3), dbSNP rs1183063056, ClinGen allele CA412976856.

ClinVar aggregate classification (germline): Uncertain significance (1 of 4 stars; one submission).

Conditions:
Granulomatous disease, chronic, X-linked. Also called: CYTOCHROME b-NEGATIVE GRANULOMATOUS DISEASE, CHRONIC, X-LINKED; GRANULOMATOUS DISEASE, CHRONIC, X-LINKED, SOMATIC MOSAIC. Identifiers: Orphanet 379, MedGen C1844376, MONDO:0010600, OMIM 306400.

Allele frequency attached by ClinVar (database versions not stated): TOPMed below 0.00001; gnomAD 0.00001.
gnomAD v4.1: 1 of 1,207,407 alleles (0.000083%); highest among the groups gnomAD compares: African/African-American, 0.0018%; no homozygotes.

Submission:

Labcorp Genetics (formerly Invitae), Labcorp
Classification: Uncertain significance for Granulomatous disease, chronic, X-linked. Last evaluated: 2023-10-22. Review status: criteria provided, single submitter. Criteria: Invitae Variant Classification Sherloc (09022015). Collection method: clinical testing. Allele origin: germline.
Comment: This sequence change replaces tyrosine, which is neutral and polar, with histidine, which is basic and polar, at codon 280 of the CYBB protein (p.Tyr280His). This variant is not present in population databases (gnomAD no frequency). This variant has not been reported in the literature in individuals affected with CYBB-related conditions. Advanced modeling of protein sequence and biophysical properties (such as structural, functional, and spatial information, amino acid conservation, physicochemical variation, residue mobility, and thermodynamic stability) performed at Invitae indicates that this missense variant is expected to disrupt CYBB protein function. In summary, the available evidence is currently insufficient to determine the role of this variant in disease. Therefore, it has been classified as a Variant of Uncertain Significance.